The following is an entry in ClinVar:

NM_032578.4(MYPN):c.859C>A (p.Gln287Lys)

Gene: MYPN (myopalladin; plus strand). Cytogenetic location: 10q21.3.
Variant type: single nucleotide variant.
Coding change: c.859C>A on transcript NM_032578.4 (MANE Select); coding-DNA position 859, C replaced by A.
Protein change: p.Gln287Lys; replaces glutamine 287 with lysine.
Molecular consequence: missense variant. On other transcripts: 5 prime UTR variant (1), non-coding transcript variant (1).
Genome position (GRCh38, 1-based): chr10:68,122,297, C>A. VCF-style: chr10-68122297-C-A. GRCh37 (hg19) VCF-style: chr10-69882054-C-A.
Other names: c.859C>A, p.Gln287Lys (NM_001256267.2); c.-264C>A (NM_001256268.2); short protein forms Q287K.
Identifiers: ClinVar variation 1046644 (VCV001046644.7), dbSNP rs2042258039, ClinGen allele CA377105249.

ClinVar aggregate classification (germline): Uncertain significance. Review status: criteria provided, multiple submitters, no conflicts (2 of 4 stars). 2 submissions from 2 submitters: Uncertain significance (2). Last evaluated 2021-09-01.

Conditions:
Dilated cardiomyopathy 1KK (CMD1KK). Identifiers: Orphanet 154, Orphanet 75249, MedGen C3714995, MONDO:0014100, OMIM 615248.
Cardiovascular phenotype. Identifiers: MedGen CN230736.

Allele frequency attached by ClinVar (database versions not stated): gnomAD 0.00001; TOPMed 0.00001.
gnomAD v4.1: 2 of 1,613,866 alleles (0.00012%); highest among the groups gnomAD compares: Non-Finnish European, 0.000085%; no homozygotes.

Submissions (2):

Labcorp Genetics (formerly Invitae), Labcorp
Classification: Uncertain significance for Dilated cardiomyopathy 1KK. Last evaluated: 2021-09-01. Review status: criteria provided, single submitter. Criteria: Invitae Variant Classification Sherloc (09022015). Collection method: clinical testing. Allele origin: germline.
Comment: This sequence change replaces glutamine with lysine at codon 287 of the MYPN protein (p.Gln287Lys). The glutamine residue is highly conserved and there is a small physicochemical difference between glutamine and lysine. This variant is not present in population databases (ExAC no frequency). This variant has not been reported in the literature in individuals affected with MYPN-related conditions. Algorithms developed to predict the effect of missense changes on protein structure and function are either unavailable or do not agree on the potential impact of this missense change (SIFT: "Tolerated"; PolyPhen-2: "Possibly Damaging"; Align-GVGD: "Class C0"). In summary, the available evidence is currently insufficient to determine the role of this variant in disease. Therefore, it has been classified as a Variant of Uncertain Significance.

Ambry Genetics
Classification: Uncertain significance for Cardiovascular phenotype. Last evaluated: 2021-06-16. Review status: criteria provided, single submitter. Criteria: Ambry Variant Classification Scheme 2023. Collection method: clinical testing. Allele origin: germline.
Comment: The p.Q287K variant (also known as c.859C>A), located in coding exon 1 of the MYPN gene, results from a C to A substitution at nucleotide position 859. The glutamine at codon 287 is replaced by lysine, an amino acid with similar properties. This amino acid position is highly conserved in available vertebrate species. In addition, the in silico prediction for this alteration is inconclusive. Since supporting evidence is limited at this time, the clinical significance of this alteration remains unclear.